The following is an entry in ClinVar:

ClinVar aggregate classification (germline): Uncertain significance. Review status: criteria provided, multiple submitters, no conflicts (2 of 4 stars). 4 submissions from 4 submitters: Uncertain significance (4). Last evaluated 2026-08-28.

Conditions:
PARN-related disorder. Also called: PARN-related disorders; PARN-related condition.
Pulmonary fibrosis and/or bone marrow failure, Telomere-related, 4. Also called: PULMONARY FIBROSIS AND/OR BONE MARROW FAILURE SYNDROME, TELOMERE-RELATED, 4. Identifiers: Orphanet 2032, MedGen C4225347, MONDO:0014612, OMIM 616371.
Dyskeratosis congenita, autosomal recessive 6 (DKCB6). Identifiers: MedGen C4225356, MONDO:0014600, OMIM 616353.

Allele frequency attached by ClinVar (database versions not stated): gnomAD exomes 0.00001 and 0.00007; TOPMed 0.00001; gnomAD 0.00003; ExAC 0.00005.
gnomAD v4.1: 23 of 1,613,110 alleles (0.0014%); highest among the groups gnomAD compares: East Asian, 0.045%; no homozygotes.

Submissions (4):

PreventionGenetics, part of Exact Sciences
Classification: Uncertain significance for PARN-related condition. Last evaluated: 2026-08-28. Review status: criteria provided, single submitter. Criteria: ACMG Guidelines, 2015. Collection method: clinical testing. Allele origin: germline.
Comment: The PARN c.1637A>G variant is predicted to result in the amino acid substitution p.Tyr546Cys. This variant has been reported along with other variants in different genes in an individual with autism and congenital insensitivity to pain with anhidrosis (Zhang et al. 2022. PubMed ID: 35277138). This variant is reported in 0.11% of alleles in individuals of East Asian descent in gnomAD. At this time, the clinical significance of this variant is uncertain due to the absence of conclusive functional and genetic evidence.

Labcorp Genetics (formerly Invitae), Labcorp
Classification: Uncertain significance for Dyskeratosis congenita, autosomal recessive 6; Pulmonary fibrosis and/or bone marrow failure, Telomere-related, 4. Last evaluated: 2025-05-19. Review status: criteria provided, single submitter. Criteria: Invitae Variant Classification Sherloc (09022015). Collection method: clinical testing. Allele origin: germline.
Comment: This sequence change replaces tyrosine, which is neutral and polar, with cysteine, which is neutral and slightly polar, at codon 546 of the PARN protein (p.Tyr546Cys). This variant is present in population databases (rs752082579, gnomAD 0.1%). This variant has not been reported in the literature in individuals affected with PARN-related conditions. ClinVar contains an entry for this variant (Variation ID: 1444115). An algorithm developed to predict the effect of missense changes on protein structure and function outputs the following: PolyPhen-2: "Benign". The cysteine amino acid residue is found in multiple mammalian species, which suggests that this missense change does not adversely affect protein function. In summary, the available evidence is currently insufficient to determine the role of this variant in disease. Therefore, it has been classified as a Variant of Uncertain Significance.

Genetic Services Laboratory, University of Chicago
Classification: Uncertain significance. Last evaluated: 2023-01-23. Review status: criteria provided, single submitter. Criteria: ACMG Guidelines, 2015. Collection method: clinical testing. Allele origin: germline. Affected: no.
Comment: This sequence change, c.1637A>G, in exon 22 results in an amino acid change, p.Tyr546Cys. This sequence change does not appear to have been previously described in individuals with PARN-related disorders. This sequence change has been described in the gnomAD database with a frequency of 0.1% in the East Asian subpopulation (dbSNP rs752082579). The p.Tyr546Cys change affects a moderately conserved amino acid residue located in a domain of the PARN protein that is not known to be functional. In-silico pathogenicity prediction tools (SIFT, PolyPhen2, Align GVGD, REVEL) provide contradictory results for the p.Tyr546Cys substitution. Due to insufficient evidence and the lack of functional studies, the clinical significance of the p.Tyr546Cys change remains unknown at this time.

Blueprint Genetics
Classification: Uncertain significance. Last evaluated: 2022-04-12. Review status: criteria provided, single submitter. Criteria: ACMG Guidelines, 2015. Collection method: clinical testing. Allele origin: germline.

NM_002582.4(PARN):c.1637A>G (p.Tyr546Cys)

Gene: PARN (poly(A)-specific ribonuclease; minus strand). Cytogenetic location: 16p13.12.
Variant type: single nucleotide variant.
Coding change: c.1637A>G on transcript NM_002582.4 (MANE Select); coding-DNA position 1637, A replaced by G.
Protein change: p.Tyr546Cys; replaces tyrosine 546 with cysteine.
Molecular consequence: missense variant.
Genome position (GRCh38, 1-based): chr16:14,482,671, T>C on the plus strand (A>G on the coding strand, the complement: PARN is on the minus strand). VCF-style: chr16-14482671-T-C. GRCh37 (hg19) VCF-style: chr16-14576528-T-C.
Other names: c.1454A>G, p.Tyr485Cys (NM_001134477.3); c.1499A>G, p.Tyr500Cys (NM_001242992.2); c.1637A>G (NM_002582.3); short protein forms Y485C, Y546C, Y500C.
Identifiers: ClinVar variation 1444115 (VCV001444115.10), dbSNP rs752082579, ClinGen allele CA7911975.